The following is an entry in ClinVar:

NM_002470.4(MYH3):c.4313C>G (p.Ser1438Cys)

Gene: MYH3 (myosin heavy chain 3; minus strand). Cytogenetic location: 17p13.1.
Variant type: single nucleotide variant.
Coding change: c.4313C>G on transcript NM_002470.4 (MANE Select); coding-DNA position 4313, C replaced by G.
Protein change: p.Ser1438Cys; replaces serine 1438 with cysteine.
Molecular consequence: missense variant.
Genome position (GRCh38, 1-based): chr17:10,634,883, G>C on the plus strand (C>G on the coding strand, the complement: MYH3 is on the minus strand). VCF-style: chr17-10634883-G-C. GRCh37 (hg19) VCF-style: chr17-10538200-G-C.
Other names: short protein forms S1438C.
Identifiers: ClinVar variation 3339646 (VCV003339646.3).

ClinVar aggregate classification (germline): Uncertain significance. Review status: criteria provided, multiple submitters, no conflicts (2 of 4 stars). 2 submissions from 2 submitters: Uncertain significance (2). Last evaluated 2024-11-23.

gnomAD v4.1: 9 of 1,613,992 alleles (0.00056%); highest among the groups gnomAD compares: Non-Finnish European, 0.00076%; no homozygotes.

Submissions (2):

Labcorp Genetics (formerly Invitae), Labcorp
Classification: Uncertain significance. Last evaluated: 2024-11-23. Review status: criteria provided, single submitter. Criteria: Invitae Variant Classification Sherloc (09022015). Collection method: clinical testing. Allele origin: germline.
Comment: This sequence change replaces serine, which is neutral and polar, with cysteine, which is neutral and slightly polar, at codon 1438 of the MYH3 protein (p.Ser1438Cys). This variant is present in population databases (no rsID available, gnomAD 0.0009%). This variant has not been reported in the literature in individuals affected with MYH3-related conditions. Invitae Evidence Modeling of protein sequence and biophysical properties (such as structural, functional, and spatial information, amino acid conservation, physicochemical variation, residue mobility, and thermodynamic stability) indicates that this missense variant is not expected to disrupt MYH3 protein function with a negative predictive value of 95%. In summary, the available evidence is currently insufficient to determine the role of this variant in disease. Therefore, it has been classified as a Variant of Uncertain Significance.

Women's Health and Genetics/Laboratory Corporation of America, LabCorp
Classification: Uncertain significance. Last evaluated: 2024-06-10. Review status: criteria provided, single submitter. Criteria: LabCorp Variant Classification Summary - May 2015. Collection method: clinical testing. Allele origin: germline.
Comment: Variant summary: MYH3 c.4313C>G (p.Ser1438Cys) results in a non-conservative amino acid change located in the Myosin tail domain (IPR002928) of the encoded protein sequence. Four of five in-silico tools predict a damaging effect of the variant on protein function. The variant allele was found at a frequency of 4e-06 in 251490 control chromosomes (gnomAD). The available data on variant occurrences in the general population are insufficient to allow any conclusion about variant significance. To our knowledge, no occurrence of c.4313C>G in individuals affected with MYH3-Related Disorders and no experimental evidence demonstrating its impact on protein function have been reported. No submitters have cited clinical-significance assessments for this variant to ClinVar. Based on the evidence outlined above, the variant was classified as uncertain significance.